The following is an entry in ClinVar:

NM_001105206.3(LAMA4):c.3308G>A (p.Arg1103His)

Gene: LAMA4 (laminin subunit alpha 4; minus strand). Cytogenetic location: 6q21.
Variant type: single nucleotide variant.
Coding change: c.3308G>A on transcript NM_001105206.3 (MANE Select); coding-DNA position 3308, G replaced by A.
Protein change: p.Arg1103His; replaces arginine 1103 with histidine.
Molecular consequence: missense variant.
Genome position (GRCh38, 1-based): chr6:112,136,229, C>T on the plus strand (G>A on the coding strand, the complement: LAMA4 is on the minus strand). VCF-style: chr6-112136229-C-T. GRCh37 (hg19) VCF-style: chr6-112457431-C-T.
Other names: c.3287G>A, p.Arg1096His (NM_001105207.3, NM_002290.5); c.3287G>A (NM_002290.3); short protein forms R1103H, R1096H.
Identifiers: ClinVar variation 934484 (VCV000934484.13), dbSNP rs782568532, ClinGen allele CA3965246.
Genomic context (GRCh38, chr6:112,136,229, plus strand): 5'-TCAAGATGCACAGGGCCACCGCTGAATCCAAAATCATAGAACACATGTAGGTAACCATTG[C>T]GCATTTCCAGTCTGAAAAACATACTCTGAGGAGAGAAAGGAATTGTAAGATAGGAACATC-3'
Protein context (NP_001098676.2, residues 1093-1113): NGSMFFRLEM[Arg1103His]NGYLHVFYDF

ClinVar aggregate classification (germline): Conflicting classifications of pathogenicity. Review status: criteria provided, conflicting classifications (1 of 4 stars). 4 submissions from 4 submitters: Uncertain significance (3); Likely benign (1). Last evaluated 2025-10-06.

Conditions:
Cardiovascular phenotype. Identifiers: MedGen CN230736.
Dilated cardiomyopathy 1JJ (CMD1JJ). Identifiers: Orphanet 154, MedGen C3808935, MONDO:0014095, OMIM 615235.

Allele frequency attached by ClinVar (database versions not stated): gnomAD 0.00001; gnomAD exomes 0.00002 and 0.00008; TOPMed 0.00002; ExAC 0.00005.
gnomAD v4.1: 33 of 1,611,240 alleles (0.002%); highest among the groups gnomAD compares: Admixed American, 0.033%; no homozygotes.

Submissions (4):

GeneDx
Classification: Uncertain significance. Last evaluated: 2025-10-06. Review status: criteria provided, single submitter. Criteria: GeneDx Variant Classification Process June 2021. Collection method: clinical testing. Allele origin: germline.
Comment: Has not been previously published as pathogenic or benign to our knowledge; In silico analysis suggests that this missense variant does not alter protein structure/function

Labcorp Genetics (formerly Invitae), Labcorp
Classification: Uncertain significance for Dilated cardiomyopathy 1JJ. Last evaluated: 2025-06-03. Review status: criteria provided, single submitter. Criteria: Invitae Variant Classification Sherloc (09022015). Collection method: clinical testing. Allele origin: germline.
Comment: This sequence change replaces arginine, which is basic and polar, with histidine, which is basic and polar, at codon 1096 of the LAMA4 protein (p.Arg1096His). This variant is present in population databases (rs782568532, gnomAD 0.04%), and has an allele count higher than expected for a pathogenic variant. This variant has not been reported in the literature in individuals affected with LAMA4-related conditions. ClinVar contains an entry for this variant (Variation ID: 934484). Invitae Evidence Modeling of protein sequence and biophysical properties (such as structural, functional, and spatial information, amino acid conservation, physicochemical variation, residue mobility, and thermodynamic stability) indicates that this missense variant is expected to disrupt LAMA4 protein function with a positive predictive value of 80%. In summary, the available evidence is currently insufficient to determine the role of this variant in disease. Therefore, it has been classified as a Variant of Uncertain Significance.

Ambry Genetics
Classification: Uncertain significance for Cardiovascular phenotype. Last evaluated: 2024-12-02. Review status: criteria provided, single submitter. Criteria: Ambry Variant Classification Scheme 2023. Collection method: clinical testing. Allele origin: germline.

Blueprint Genetics
Classification: Likely benign. Last evaluated: 2024-11-07. Review status: criteria provided, single submitter. Criteria: ACMG Guidelines, 2015. Collection method: clinical testing. Allele origin: germline.